The following is an entry in ClinVar:

ClinVar aggregate classification (germline): Pathogenic. Review status: criteria provided, single submitter (1 of 4 stars). 2 submissions from 2 submitters: Pathogenic (1). 1 of the submissions does not count toward it. Last evaluated 2024-05-14.

Conditions:
Retinitis pigmentosa 25 (RP25). Identifiers: Orphanet 791, MedGen C1864446, MONDO:0011272, OMIM 602772.
Retinitis pigmentosa (RP). Identifiers: Orphanet 791, MedGen C0035334, MeSH D012174, MONDO:0019200, OMIM 268000. Inheritance: Autosomal dominant, autosomal recessive and X linked inheritance.

Submissions (2):

Myriad Genetics, Inc.
Classification: Pathogenic for Retinitis pigmentosa 25. Last evaluated: 2024-05-14. Review status: criteria provided, single submitter. Criteria: Myriad Autosomal Dominant, Autosomal Recessive and X-Linked Classification Criteria (2023). Collection method: clinical testing. Allele origin: unknown.
Comment: NM_001142800.1(EYS):c.6937C>T(Q2313*) is expected to be pathogenic in the context of retinitis pigmentosa, EYS-related. This variant is predicted to lead to an abnormal or absent protein product due to the creation of a premature termination codon in EYS, a gene where loss-of-function variants are known to be pathogenic. Please note: this variant was assessed in the context of healthy population screening.

NIHR Bioresource Rare Diseases, University of Cambridge
Classification: Likely pathogenic for Retinitis pigmentosa. Last evaluated: 2015-01-01. Review status: no assertion criteria provided. Collection method: research. Allele origin: unknown. Affected: yes. Observed: 1 variant allele. Not counted in ClinVar's aggregate classification.

Literature cited by the submitters: PubMed 28041643 (cited by NIHR Bioresource Rare Diseases, University of Cambridge).

NM_001142800.2(EYS):c.6937C>T (p.Gln2313Ter)

Gene: EYS (EGF-like photoreceptor maintenance factor; minus strand). Cytogenetic location: 6q12.
Variant type: single nucleotide variant.
Coding change: c.6937C>T on transcript NM_001142800.2 (MANE Select); coding-DNA position 6937, C replaced by T.
Protein change: p.Gln2313Ter; replaces glutamine 2313 with a stop codon.
Molecular consequence: nonsense.
Genome position (GRCh38, 1-based): chr6:63,984,501, G>A on the plus strand (C>T on the coding strand, the complement: EYS is on the minus strand). VCF-style: chr6-63984501-G-A. GRCh37 (hg19) VCF-style: chr6-64694394-G-A.
Other names: c.6937C>T, p.Gln2313Ter (NM_001292009.2); short protein forms Q2313*.
Identifiers: ClinVar variation 438207 (VCV000438207.3), dbSNP rs1554194404, ClinGen allele CA364388695.
Genomic context (GRCh38, chr6:63,984,501, plus strand): 5'-TCTCAATATTCTTTCCATGTCGTGCTTCATCGATGATGAAGAATTCTTTGTTGTTTACTT[G>A]AAGGTCTAGAATGCAGCCCCTGAACCCATAAACAGGACCTGCTTTCTTATGAATTTGAAC-3'